The following is an entry in ClinVar:

ClinVar aggregate classification (germline): Uncertain significance (1 of 4 stars; one submission).

Conditions:
Hereditary cancer-predisposing syndrome. Also called: Neoplastic Syndromes, Hereditary; Tumor predisposition; Hereditary neoplastic syndrome; Hereditary Cancer Syndrome. Identifiers: Orphanet 140162, MedGen C0027672, MeSH D009386, MONDO:0015356.

Allele frequency attached by ClinVar (database versions not stated): TOPMed 0.00001.

Submission:

Ambry Genetics
Classification: Uncertain significance for Hereditary cancer-predisposing syndrome. Last evaluated: 2024-09-22. Review status: criteria provided, single submitter. Criteria: Ambry Variant Classification Scheme 2023. Collection method: clinical testing. Allele origin: germline.
Comment: The p.G213D variant (also known as c.638G>A), located in coding exon 3 of the PHOX2B gene, results from a G to A substitution at nucleotide position 638. The glycine at codon 213 is replaced by aspartic acid, an amino acid with similar properties. This amino acid position is well conserved in available vertebrate species. In addition, the in silico prediction for this alteration is inconclusive. Since supporting evidence is limited at this time, the clinical significance of this alteration remains unclear.

NM_003924.4(PHOX2B):c.638G>A (p.Gly213Asp)

Gene: PHOX2B (paired like homeobox 2B; minus strand). Cytogenetic location: 4p13.
Variant type: single nucleotide variant.
Coding change: c.638G>A on transcript NM_003924.4 (MANE Select); coding-DNA position 638, G replaced by A.
Protein change: p.Gly213Asp; replaces glycine 213 with aspartic acid.
Molecular consequence: missense variant.
Genome position (GRCh38, 1-based): chr4:41,746,114, C>T on the plus strand (G>A on the coding strand, the complement: PHOX2B is on the minus strand). VCF-style: chr4-41746114-C-T. GRCh37 (hg19) VCF-style: chr4-41748131-C-T.
Other names: short protein forms G213D.
Identifiers: ClinVar variation 826375 (VCV000826375.5), dbSNP rs1328014263, ClinGen allele CA356737564.